The following is an entry in ClinVar:

ClinVar aggregate classification (germline): Likely pathogenic. Review status: criteria provided, multiple submitters, no conflicts (2 of 4 stars). 4 submissions from 3 submitters: Likely pathogenic (4). Last evaluated 2026-05-19.

Conditions:
Progressive familial intrahepatic cholestasis type 1. Also called: BYLER DISEASE; Severe ATP8B1 Deficiency (Progressive Familial Intrahepatic Cholestasis Type 1 [PFIC1]); Byler's disease. Identifiers: Orphanet 79306, MedGen C4551898, MONDO:0008892, OMIM 211600.
Cholestasis, intrahepatic, of pregnancy, 1 (ICP1). Also called: CHOLESTASIS, PREGNANCY-RELATED, 1. Identifiers: Orphanet 69665, MedGen C3549845, MONDO:0007829, OMIM 147480.
Familial intrahepatic cholestasis. Identifiers: Orphanet 284385, MedGen CN296401, MONDO:0017290.

Submissions (4):

Department of Molecular Genetics, Istishari Arab Hospital
Classification: Likely pathogenic for Progressive familial intrahepatic cholestasis type 1. Last evaluated: 2026-05-19. Review status: criteria provided, single submitter. Criteria: ACMG Guidelines, 2015. Collection method: clinical testing. Allele origin: germline. Inheritance: Autosomal recessive inheritance. Affected: yes.
Comment: The ATP8B1 variant c.2251G>T, p.Glu751*causes a premature stop codon at position 751 in exon 20 (out of 28). The variant is not observed in the gnomAD v4.1.0 dataset (<0.001). This variant was previously reported as disease-causing in a patient with Cholestasis, progressive familial intrahepatic 1 (PMID: 33223529). It is classified as likely pathogenic based on ACMG/AMP/ClinGen SVI guidelines.

Genomenon, Inc
Classification: Likely pathogenic for Familial intrahepatic cholestasis. Last evaluated: 2026-04-14. Review status: criteria provided, single submitter. Criteria: Genomenon Sequence Variant Interpretation Standards - Updated. Collection method: curation. Allele origin: germline. Affected: no.
Comment: ATP8B1 p.Glu751Ter (c.2251G>T) is a nonsense variant that introduces a premature stop codon at amino acid position 751, creating a truncated protein that is predicted to undergo nonsense-mediated mRNA decay. This variant has been reported in the published literature (PMID:33223529). It is absent or not present at a significant frequency in gnomAD. In conclusion, we classify ATP8B1 p.Glu751Ter (c.2251G>T) as a likely pathogenic variant.

Hadassah Hebrew University Medical Center
Classification: Likely pathogenic for Cholestasis, intrahepatic, of pregnancy, 1; Progressive familial intrahepatic cholestasis type 1. Last evaluated: 2019-06-20. Review status: criteria provided, single submitter. Criteria: ACMG Guidelines, 2015. Collection method: clinical testing. Allele origin: germline. Inheritance: Autosomal recessive inheritance. Affected: yes.

Hadassah Hebrew University Medical Center
Classification: Likely pathogenic for Cholestasis, progressive familial intrahepatic 1. Last evaluated: 2019-06-20. Review status: criteria provided, single submitter. Criteria: ACMG Guidelines, 2015. Collection method: clinical testing. Allele origin: germline.

Literature cited by the submitters: PubMed 33223529 (cited by 3 submitters).

NM_001374385.1(ATP8B1):c.2251G>T (p.Glu751Ter)

Genes: ATP8B1 (ATPase phospholipid transporting 8B1; minus strand), ATP8B1-AS1 (ATP8B1 antisense RNA 1; plus strand). Cytogenetic location: 18q21.31.
Variant type: single nucleotide variant.
Coding change: c.2251G>T on transcript NM_001374385.1 (MANE Select); coding-DNA position 2251, G replaced by T.
Protein change: p.Glu751Ter; replaces glutamic acid 751 with a stop codon.
Molecular consequence: nonsense.
Genome position (GRCh38, 1-based): chr18:57,667,126, C>A on the plus strand (G>T on the coding strand, the complement: ATP8B1 is on the minus strand). VCF-style: chr18-57667126-C-A. GRCh37 (hg19) VCF-style: chr18-55334358-C-A.
Other names: p.Glu751*; c.2101G>T, p.Glu701Ter (NM_001374386.1); c.2251G>T, p.Glu751Ter (NM_005603.6); short protein forms E701*, E751*.
Identifiers: ClinVar variation 804427 (VCV000804427.4), dbSNP rs1057524081, ClinGen allele CA402554701.